The following is an entry in ClinVar:

ClinVar aggregate classification (germline): Uncertain significance (1 of 4 stars; one submission).

Conditions:
Peroxisome biogenesis disorder. Identifiers: Orphanet 79189, MedGen C1832200, MONDO:0019234. Disease mechanism: loss of function.

Allele frequency attached by ClinVar (database versions not stated): gnomAD exomes below 0.00001; gnomAD 0.00001; TOPMed 0.00001.
gnomAD v4.1: 11 of 1,613,734 alleles (0.00068%); no homozygotes.

Submission:

Labcorp Genetics (formerly Invitae), Labcorp
Classification: Uncertain significance for Peroxisome biogenesis disorder. Last evaluated: 2022-04-21. Review status: criteria provided, single submitter. Criteria: Invitae Variant Classification Sherloc (09022015). Collection method: clinical testing. Allele origin: germline.
Comment: This sequence change replaces lysine, which is basic and polar, with asparagine, which is neutral and polar, at codon 72 of the PEX16 protein (p.Lys72Asn). This variant is present in population databases (no rsID available, gnomAD 0.04%). This variant has not been reported in the literature in individuals affected with PEX16-related conditions. Algorithms developed to predict the effect of missense changes on protein structure and function (SIFT, PolyPhen-2, Align-GVGD) all suggest that this variant is likely to be tolerated. In summary, the available evidence is currently insufficient to determine the role of this variant in disease. Therefore, it has been classified as a Variant of Uncertain Significance.

NM_004813.4(PEX16):c.216G>C (p.Lys72Asn)

Gene: PEX16 (peroxisomal biogenesis factor 16; minus strand). Cytogenetic location: 11p11.2.
Variant type: single nucleotide variant.
Coding change: c.216G>C on transcript NM_004813.4 (MANE Select); coding-DNA position 216, G replaced by C.
Protein change: p.Lys72Asn; replaces lysine 72 with asparagine.
Molecular consequence: missense variant.
Genome position (GRCh38, 1-based): chr11:45,916,236, C>G on the plus strand (G>C on the coding strand, the complement: PEX16 is on the minus strand). VCF-style: chr11-45916236-C-G. GRCh37 (hg19) VCF-style: chr11-45937787-C-G.
Other names: c.216G>C, p.Lys72Asn (NM_057174.3); short protein forms K72N.
Identifiers: ClinVar variation 2419802 (VCV002419802.5), dbSNP rs886957873, ClinGen allele CA221591236.